The following is an entry in ClinVar:

NM_022124.6(CDH23):c.9319+18T>C

Gene: CDH23 (cadherin related 23; plus strand). Cytogenetic location: 10q22.1.
Variant type: single nucleotide variant.
Coding change: c.9319+18T>C on transcript NM_022124.6 (MANE Select); 18 bases into the intron after coding-DNA position 9319, T replaced by C.
Molecular consequence: intron variant.
Genome position (GRCh38, 1-based): chr10:71,811,771, T>C. VCF-style: chr10-71811771-T-C. GRCh37 (hg19) VCF-style: chr10-73571528-T-C.
Other names: c.2599+18T>C (NM_001171933.1, NM_001171934.1).
Identifiers: ClinVar variation 508537 (VCV000508537.4), dbSNP rs1554877902, ClinGen allele CA658797439.
Genomic context (GRCh38, chr10:71,811,771, plus strand): 5'-AGACACAAGAGGAAGCTCAAGGCCATTGTGGCTGGCTCAGCTGGTAAGTGAGGGCCATAG[T>C]GGGGACACAGGTGAGAAGGCAGTGGGCTGGGGACCTGGAGTGCCCACCGGAGCCACAAGC-3'

ClinVar aggregate classification (germline): Likely benign. Review status: criteria provided, multiple submitters, no conflicts (2 of 4 stars). 2 submissions from 2 submitters: Likely benign (2). Last evaluated 2023-11-04.

Submissions (2):

Labcorp Genetics (formerly Invitae), Labcorp
Classification: Likely benign. Last evaluated: 2023-11-04. Review status: criteria provided, single submitter. Criteria: Invitae Variant Classification Sherloc (09022015). Collection method: clinical testing. Allele origin: germline.

GeneDx
Classification: Likely benign. Last evaluated: 2017-04-07. Review status: criteria provided, single submitter. Criteria: GeneDx Variant Classification (06012015). Collection method: clinical testing. Allele origin: germline. Affected: yes.
Comment: This variant is considered likely benign or benign based on one or more of the following criteria: it is a conservative change, it occurs at a poorly conserved position in the protein, it is predicted to be benign by multiple in silico algorithms, and/or has population frequency not consistent with disease.